The following is an entry in ClinVar:

ClinVar aggregate classification (germline): Likely benign. Review status: criteria provided, multiple submitters, no conflicts (2 of 4 stars). 2 submissions from 2 submitters: Likely benign (2). Last evaluated 2026-06-30.

Conditions:
SLC12A6-related disorder. Also called: SLC12A6-related condition.

Allele frequency attached by ClinVar (database versions not stated): gnomAD 0.00001 and 0.00002; gnomAD exomes 0.00001 and below 0.00001; TOPMed 0.00003.

Submissions (2):

PreventionGenetics, part of Exact Sciences
Classification: Likely benign for SLC12A6-related condition. Last evaluated: 2026-06-30. Review status: criteria provided, single submitter. Criteria: ACMG Guidelines, 2015. Collection method: clinical testing. Allele origin: germline.
Comment: This variant is classified as likely benign based on ACMG/AMP sequence variant interpretation guidelines (Richards et al. 2015 PMID: 25741868, with internal and published modifications).

Labcorp Genetics (formerly Invitae), Labcorp
Classification: Likely benign. Last evaluated: 2026-01-28. Review status: criteria provided, single submitter. Criteria: Invitae Variant Classification Sherloc (09022015). Collection method: clinical testing. Allele origin: germline.

NM_001365088.1(SLC12A6):c.1592-7A>G

Gene: SLC12A6 (solute carrier family 12 member 6; minus strand). Cytogenetic location: 15q14.
Variant type: single nucleotide variant.
Coding change: c.1592-7A>G on transcript NM_001365088.1 (MANE Select); 7 bases into the intron before coding-DNA position 1592, A replaced by G.
Molecular consequence: intron variant.
Genome position (GRCh38, 1-based): chr15:34,250,362, T>C on the plus strand (A>G on the coding strand, the complement: SLC12A6 is on the minus strand). VCF-style: chr15-34250362-T-C. GRCh37 (hg19) VCF-style: chr15-34542563-T-C.
Other names: c.1415-7A>G (NM_001042495.2, NM_001042494.2); c.1565-7A>G (NM_001042496.2); c.1547-7A>G (NM_001042497.2); c.1592-7A>G (NM_133647.2); c.1439-7A>G (NM_005135.2).
Identifiers: ClinVar variation 752703 (VCV000752703.9), dbSNP rs759969112, ClinGen allele CA268638020.